The following is an entry in ClinVar:

NM_001101362.3(KBTBD13):c.816C>T (p.Ile272=)

Gene: KBTBD13 (kelch repeat and BTB domain containing 13; plus strand). Cytogenetic location: 15q22.31.
Variant type: single nucleotide variant.
Coding change: c.816C>T on transcript NM_001101362.3 (MANE Select); coding-DNA position 816, C replaced by T.
Protein change: p.Ile272=; no amino-acid change (isoleucine 272 retained).
Molecular consequence: synonymous variant.
Genome position (GRCh38, 1-based): chr15:65,077,631, C>T. VCF-style: chr15-65077631-C-T. GRCh37 (hg19) VCF-style: chr15-65369969-C-T.
Identifiers: ClinVar variation 3772382 (VCV003772382.13).

ClinVar aggregate classification (germline): Likely benign (1 of 4 stars; one submission).

Submission:

CeGaT Center for Human Genetics Tuebingen
Classification: Likely benign. Last evaluated: 2025-01-01. Review status: criteria provided, single submitter. Criteria: CeGaT Center For Human Genetics Tuebingen Variant Classification Criteria Version 2. Collection method: clinical testing. Allele origin: germline. Affected: yes. Observed: 1 variant allele.
Comment: KBTBD13: PM2:Supporting, BP4, BP7